The following is an entry in ClinVar:

ClinVar aggregate classification (germline): Uncertain significance (1 of 4 stars; one submission).

Conditions:
Leukocyte adhesion deficiency 1 (LAD1). Also called: LEUKOCYTE ADHESION DEFICIENCY, TYPE I; LAD 1; Lymphocyte function-associated antigen 1 immunodeficiency; LFA 1 immunodeficiency. Identifiers: Orphanet 2968, Orphanet 99842, MedGen C0398738, MONDO:0007293, OMIM 116920.

Allele frequency attached by ClinVar (database versions not stated): gnomAD 0.00001; gnomAD exomes 0.00001 and 0.00004; TOPMed 0.00001.
gnomAD v4.1: 62 of 1,613,230 alleles (0.0038%); highest among the groups gnomAD compares: Non-Finnish European, 0.005%; 1 homozygote.

Submission:

Labcorp Genetics (formerly Invitae), Labcorp
Classification: Uncertain significance for Leukocyte adhesion deficiency 1. Last evaluated: 2024-11-05. Review status: criteria provided, single submitter. Criteria: Invitae Variant Classification Sherloc (09022015). Collection method: clinical testing. Allele origin: germline.
Comment: This sequence change replaces glutamine, which is neutral and polar, with histidine, which is basic and polar, at codon 491 of the ITGB2 protein (p.Gln491His). This variant is present in population databases (no rsID available, gnomAD 0.003%). This variant has not been reported in the literature in individuals affected with ITGB2-related conditions. ClinVar contains an entry for this variant (Variation ID: 1420970). Invitae Evidence Modeling of protein sequence and biophysical properties (such as structural, functional, and spatial information, amino acid conservation, physicochemical variation, residue mobility, and thermodynamic stability) has been performed for this missense variant. However, the output from this modeling did not meet the statistical confidence thresholds required to predict the impact of this variant on ITGB2 protein function. In summary, the available evidence is currently insufficient to determine the role of this variant in disease. Therefore, it has been classified as a Variant of Uncertain Significance.

NM_000211.5(ITGB2):c.1473G>C (p.Gln491His)

Gene: ITGB2 (integrin subunit beta 2; minus strand). Cytogenetic location: 21q22.3.
Variant type: single nucleotide variant.
Coding change: c.1473G>C on transcript NM_000211.5 (MANE Select); coding-DNA position 1473, G replaced by C.
Protein change: p.Gln491His; replaces glutamine 491 with histidine.
Molecular consequence: missense variant.
Genome position (GRCh38, 1-based): chr21:44,890,162, C>G on the plus strand (G>C on the coding strand, the complement: ITGB2 is on the minus strand). VCF-style: chr21-44890162-C-G. GRCh37 (hg19) VCF-style: chr21-46310077-C-G.
Other names: c.1473G>C, p.Gln491His (NM_001127491.3); c.1266G>C, p.Gln422His (NM_001303238.2); short protein forms Q422H, Q491H.
Identifiers: ClinVar variation 1420970 (VCV001420970.5), dbSNP rs1052256139, ClinGen allele CA321894694.